The following is an entry in ClinVar:

NM_003742.4(ABCB11):c.2985G>A (p.Ala995=)

Gene: ABCB11 (ATP binding cassette subfamily B member 11; minus strand). Cytogenetic location: 2q31.1.
Variant type: single nucleotide variant.
Coding change: c.2985G>A on transcript NM_003742.4 (MANE Select); coding-DNA position 2985, G replaced by A.
Protein change: p.Ala995=; no amino-acid change (alanine 995 retained).
Molecular consequence: synonymous variant.
Genome position (GRCh38, 1-based): chr2:168,935,255, C>T on the plus strand (G>A on the coding strand, the complement: ABCB11 is on the minus strand). VCF-style: chr2-168935255-C-T. GRCh37 (hg19) VCF-style: chr2-169791765-C-T.
Other names: c.2985G>A, p.Ala995= (LRG_1199t1).
Identifiers: ClinVar variation 283583 (VCV000283583.18), dbSNP rs113923887, ClinGen allele CA1951146.

ClinVar aggregate classification (germline): Benign/Likely benign. Review status: criteria provided, multiple submitters, no conflicts (2 of 4 stars). 5 submissions from 5 submitters: Benign (1); Likely benign (4). Last evaluated 2026-04-14.

Conditions:
Familial intrahepatic cholestasis. Identifiers: Orphanet 284385, MedGen CN296401, MONDO:0017290.

Allele frequency attached by ClinVar (database versions not stated): gnomAD exomes 0.00027; ExAC 0.00037; gnomAD 0.00082 and 0.00086; ESP Exome Variant Server 0.00091; TOPMed 0.00098; 1000 Genomes Project 30x 0.00172; 1000 Genomes Project 0.00220.
gnomAD v4.1: 278 of 1,613,912 alleles (0.017%); highest among the groups gnomAD compares: African/African-American, 0.31%; no homozygotes.

Submissions (5):

Genomenon, Inc
Classification: Likely benign for Familial intrahepatic cholestasis. Last evaluated: 2026-04-14. Review status: criteria provided, single submitter. Criteria: Genomenon Sequence Variant Interpretation Standards - Updated. Collection method: curation. Allele origin: germline. Affected: no.
Comment: ABCB11 c.2985G>A is a synonymous variant that retains Alanine at residue 995. This variant has been reported in the published literature (PMID:16763017). This synonymous variant is not predicted to impact splicing. This variant's allele frequency in gnomAD is greater than expected for this disorder. In conclusion, we classify ABCB11 p.Ala995= (c.2985G>A) as a likely benign variant.

Labcorp Genetics (formerly Invitae), Labcorp
Classification: Benign. Last evaluated: 2026-01-20. Review status: criteria provided, single submitter. Criteria: Invitae Variant Classification Sherloc (09022015). Collection method: clinical testing. Allele origin: germline.

Blueprint Genetics
Classification: Likely benign. Last evaluated: 2023-12-07. Review status: criteria provided, single submitter. Criteria: ACMG Guidelines, 2015. Collection method: clinical testing. Allele origin: germline.

GeneDx
Classification: Likely benign. Last evaluated: 2018-04-23. Review status: criteria provided, single submitter. Criteria: GeneDx Variant Classification Process June 2021. Collection method: clinical testing. Allele origin: germline. Affected: yes.

Eurofins Ntd Llc (ga)
Classification: Likely benign. Last evaluated: 2016-08-02. Review status: criteria provided, single submitter. Criteria: EGL Classification Definitions 2015. Collection method: clinical testing. Allele origin: germline. Observed: 2 variant alleles, 2 heterozygotes.

Literature cited by the submitters: PubMed 16763017 (cited by Genomenon, Inc and Eurofins Ntd Llc (ga)).